The following is an entry in ClinVar:

NM_000428.3(LTBP2):c.4089C>T (p.Asn1363=)

Gene: LTBP2 (latent transforming growth factor beta binding protein 2; minus strand). Cytogenetic location: 14q24.3.
Variant type: single nucleotide variant.
Coding change: c.4089C>T on transcript NM_000428.3 (MANE Select); coding-DNA position 4089, C replaced by T.
Protein change: p.Asn1363=; no amino-acid change (asparagine 1363 retained).
Molecular consequence: synonymous variant.
Genome position (GRCh38, 1-based): chr14:74,506,136, G>A on the plus strand (C>T on the coding strand, the complement: LTBP2 is on the minus strand). VCF-style: chr14-74506136-G-A. GRCh37 (hg19) VCF-style: chr14-74972839-G-A.
Identifiers: ClinVar variation 314277 (VCV000314277.18), dbSNP rs141318496, ClinGen allele CA7268872.

ClinVar aggregate classification (germline): Benign/Likely benign. Review status: criteria provided, multiple submitters, no conflicts (2 of 4 stars). 5 submissions from 4 submitters: Benign (2); Likely benign (3). Last evaluated 2026-01-27.

Conditions:
Weill-Marchesani syndrome. Also called: WM Syndrome; Mesodermal dysmorphodystrophy congenital. Identifiers: Orphanet 3449, MedGen C0265313, MONDO:0018096.
Glaucoma 3, primary congenital, D. Identifiers: Orphanet 98976, MedGen C2751316, MONDO:0013122, OMIM 613086.

Allele frequency attached by ClinVar (database versions not stated): gnomAD exomes 0.00057 and 0.00138; ExAC 0.00176; 1000 Genomes Project 0.00479; 1000 Genomes Project 30x 0.00531; gnomAD 0.00555 and 0.00600; ESP Exome Variant Server 0.00654; TOPMed 0.00666.
gnomAD v4.1: 1,712 of 1,614,200 alleles (0.11%); highest among the groups gnomAD compares: African/African-American, 2%; 18 homozygotes.

Submissions (5):

Labcorp Genetics (formerly Invitae), Labcorp
Classification: Benign. Last evaluated: 2026-01-27. Review status: criteria provided, single submitter. Criteria: Invitae Variant Classification Sherloc (09022015). Collection method: clinical testing. Allele origin: germline.

GeneDx
Classification: Likely benign. Last evaluated: 2021-03-11. Review status: criteria provided, single submitter. Criteria: GeneDx Variant Classification Process June 2021. Collection method: clinical testing. Allele origin: germline. Affected: yes.

Illumina Laboratory Services, Illumina
Classification: Benign for Weill-Marchesani syndrome. Last evaluated: 2018-01-13. Review status: criteria provided, single submitter. Criteria: ICSL Variant Classification Criteria 13 December 2019. Collection method: clinical testing. Allele origin: germline.
Comment: This variant was observed in the ICSL laboratory as part of a predisposition screen in an ostensibly healthy population. It had not been previously curated by ICSL or reported in the Human Gene Mutation Database (HGMD: prior to June 1st, 2018), and was therefore a candidate for classification through an automated scoring system. Utilizing variant allele frequency, disease prevalence and penetrance estimates, and inheritance mode, an automated score was calculated to assess if this variant is too frequent to cause the disease. Based on the score and internal cut-off values, a variant classified as benign is not then subjected to further curation. The score for this variant resulted in a classification of benign for this disease.

Illumina Laboratory Services, Illumina
Classification: Likely benign for Glaucoma 3, primary congenital, D. Last evaluated: 2018-01-13. Review status: criteria provided, single submitter. Criteria: ICSL Variant Classification Criteria 13 December 2019. Collection method: clinical testing. Allele origin: germline.
Comment: This variant was observed in the ICSL laboratory as part of a predisposition screen in an ostensibly healthy population. It had not been previously curated by ICSL or reported in the Human Gene Mutation Database (HGMD: prior to June 1st, 2018), and was therefore a candidate for classification through an automated scoring system. Utilizing variant allele frequency, disease prevalence and penetrance estimates, and inheritance mode, an automated score was calculated to assess if this variant is too frequent to cause the disease. Based on the score and internal cut-off values, a variant classified as likely benign is not then subjected to further curation. The score for this variant resulted in a classification of likely benign for this disease.

Breakthrough Genomics
Classification: Likely benign. Review status: criteria provided, single submitter. Criteria: ACMG Guidelines, 2015. Collection method: not provided. Allele origin: germline. Inheritance: Autosomal recessive inheritance. Affected: yes.